The following is an entry in ClinVar:

NM_000515.5(GH1):c.21G>C (p.Thr7=)

Genes: GH-LCR (growth hormone locus control region; plus strand), GH1 (growth hormone 1; minus strand). Cytogenetic location: 17q23.3.
Variant type: single nucleotide variant.
Coding change: c.21G>C on transcript NM_000515.5 (MANE Select); coding-DNA position 21, G replaced by C.
Protein change: p.Thr7=; no amino-acid change (threonine 7 retained).
Molecular consequence: synonymous variant.
Genome position (GRCh38, 1-based): chr17:63,918,496, C>G on the plus strand (G>C on the coding strand, the complement: GH1 is on the minus strand). VCF-style: chr17-63918496-C-G. GRCh37 (hg19) VCF-style: chr17-61995856-C-G.
Other names: c.21G>C, p.Thr7= (NM_022559.4, NM_022560.4).
Identifiers: ClinVar variation 3034899 (VCV003034899.3), dbSNP rs61762496, ClinGen allele CA8708378.

ClinVar aggregate classification (germline): Likely benign. Review status: criteria provided, single submitter (1 of 4 stars). 2 submissions from 2 submitters: Likely benign (1). 1 of the submissions does not count toward it. Last evaluated 2025-12-16.

Conditions:
GH1-related disorder. Also called: GH1-related condition.

Allele frequency attached by ClinVar (database versions not stated): ESP Exome Variant Server 0.00008.
gnomAD v4.1: 83 of 1,613,988 alleles (0.0051%); highest among the groups gnomAD compares: Non-Finnish European, 0.0064%; no homozygotes.

Submissions (2):

Labcorp Genetics (formerly Invitae), Labcorp
Classification: Likely benign. Last evaluated: 2025-12-16. Review status: criteria provided, single submitter. Criteria: Invitae Variant Classification Sherloc (09022015). Collection method: clinical testing. Allele origin: germline.

PreventionGenetics, part of Exact Sciences
Classification: Likely benign for GH1-related condition. Last evaluated: 2019-07-26. Review status: no assertion criteria provided. Collection method: clinical testing. Allele origin: germline. Not counted in ClinVar's aggregate classification.
Comment: This variant is classified as likely benign based on ACMG/AMP sequence variant interpretation guidelines (Richards et al. 2015 PMID: 25741868, with internal and published modifications).